The following is an entry in ClinVar:

NM_181776.3(SLC36A2):c.1271C>T (p.Pro424Leu)

Gene: SLC36A2 (solute carrier family 36 member 2; minus strand). Cytogenetic location: 5q33.1.
Variant type: single nucleotide variant.
Coding change: c.1271C>T on transcript NM_181776.3 (MANE Select); coding-DNA position 1271, C replaced by T.
Protein change: p.Pro424Leu; replaces proline 424 with leucine.
Molecular consequence: missense variant.
Genome position (GRCh38, 1-based): chr5:151,316,998, G>A on the plus strand (C>T on the coding strand, the complement: SLC36A2 is on the minus strand). VCF-style: chr5-151316998-G-A. GRCh37 (hg19) VCF-style: chr5-150696559-G-A.
Other names: short protein forms P424L.
Identifiers: ClinVar variation 4804242 (VCV004804242.1).

ClinVar aggregate classification (germline): Uncertain significance (1 of 4 stars; one submission).

gnomAD v4.1: 336 of 1,614,062 alleles (0.021%); highest among the groups gnomAD compares: East Asian, 0.096%; no homozygotes.

Submission:

Labcorp Genetics (formerly Invitae), Labcorp
Classification: Uncertain significance. Last evaluated: 2025-10-07. Review status: criteria provided, single submitter. Criteria: Invitae Variant Classification Sherloc (09022015). Collection method: clinical testing. Allele origin: germline.
Comment: This sequence change replaces proline, which is neutral and non-polar, with leucine, which is neutral and non-polar, at codon 424 of the SLC36A2 protein (p.Pro424Leu). This variant is present in population databases (rs370237268, gnomAD 0.04%). This variant has not been reported in the literature in individuals affected with SLC36A2-related conditions. Invitae Evidence Modeling of protein sequence and biophysical properties (such as structural, functional, and spatial information, amino acid conservation, physicochemical variation, residue mobility, and thermodynamic stability) has been performed for this missense variant. However, the output from this modeling did not meet the statistical confidence thresholds required to predict the impact of this variant on SLC36A2 protein function. In summary, the available evidence is currently insufficient to determine the role of this variant in disease. Therefore, it has been classified as a Variant of Uncertain Significance.